The following is an entry in ClinVar:

ClinVar aggregate classification (germline): Conflicting classifications of pathogenicity. Review status: criteria provided, conflicting classifications (1 of 4 stars). 6 submissions from 6 submitters: Uncertain significance (2); Benign (1); Likely benign (3). Last evaluated 2026-01-18.

Conditions:
Aortic valve disease 1 (AOVD1). Identifiers: MedGen C3887892, MONDO:0024523, OMIM 109730.
Adams-Oliver syndrome 5 (AOS5). Identifiers: Orphanet 974, MedGen C4014970, MONDO:0014459, OMIM 616028.
Familial thoracic aortic aneurysm and aortic dissection (TAAD). Also called: Thoracic aortic aneurysms and dissections. Identifiers: Orphanet 91387, MedGen C4707243, MONDO:0019625.

Allele frequency attached by ClinVar (database versions not stated): gnomAD 0.00003; TOPMed 0.00007.
gnomAD v4.1: 53 of 1,612,954 alleles (0.0033%); highest among the groups gnomAD compares: Middle Eastern, 0.033%; no homozygotes.

Submissions (6):

Labcorp Genetics (formerly Invitae), Labcorp
Classification: Benign for Adams-Oliver syndrome 5. Last evaluated: 2026-01-18. Review status: criteria provided, single submitter. Criteria: Invitae Variant Classification Sherloc (09022015). Collection method: clinical testing. Allele origin: germline.

GeneDx
Classification: Uncertain significance. Last evaluated: 2025-08-06. Review status: criteria provided, single submitter. Criteria: GeneDx Variant Classification Process June 2021. Collection method: clinical testing. Allele origin: germline.
Comment: Has not been previously published as pathogenic or benign to our knowledge; In silico analysis suggests that this missense variant does not alter protein structure/function

Ambry Genetics
Classification: Likely benign for Familial thoracic aortic aneurysm and aortic dissection. Last evaluated: 2025-06-13. Review status: criteria provided, single submitter. Criteria: Ambry Variant Classification Scheme 2023. Collection method: clinical testing. Allele origin: germline.

Blueprint Genetics
Classification: Likely benign. Last evaluated: 2024-11-14. Review status: criteria provided, single submitter. Criteria: ACMG Guidelines, 2015. Collection method: clinical testing. Allele origin: germline.

Women's Health and Genetics/Laboratory Corporation of America, LabCorp
Classification: Likely benign. Last evaluated: 2024-04-01. Review status: criteria provided, single submitter. Criteria: LabCorp Variant Classification Summary - May 2015. Collection method: clinical testing. Allele origin: germline.
Comment: Variant summary: NOTCH1 c.3245G>A (p.Arg1082His) results in a non-conservative amino acid change in the encoded protein sequence. Three of five in-silico tools predict a benign effect of the variant on protein function. The variant allele was found at a frequency of 5.2e-05 in 248240 control chromosomes (gnomAD). The observed variant frequency is approximately 2-fold of the estimated maximal expected allele frequency for a pathogenic variant in NOTCH1 causing Aortic Valve Disease phenotype (3.1e-05), suggesting that the variant is benign. To our knowledge, no occurrence of c.3245G>A in individuals affected with Aortic Valve Disease and no experimental evidence demonstrating its impact on protein function have been reported. ClinVar contains an entry for this variant (Variation ID: 660353). Based on the evidence outlined above, the variant was classified as likely benign.

Department of Pathology and Laboratory Medicine, Sinai Health System
Classification: Uncertain significance for Aortic valve disease 1; Adams-Oliver syndrome 5. Last evaluated: 2021-11-16. Review status: criteria provided, single submitter. Criteria: ACMG Guidelines, 2015. Collection method: research. Allele origin: germline.

NM_017617.5(NOTCH1):c.3245G>A (p.Arg1082His)

Gene: NOTCH1 (notch receptor 1; minus strand). Cytogenetic location: 9q34.3.
Variant type: single nucleotide variant.
Coding change: c.3245G>A on transcript NM_017617.5 (MANE Select); coding-DNA position 3245, G replaced by A.
Protein change: p.Arg1082His; replaces arginine 1082 with histidine.
Molecular consequence: missense variant.
Genome position (GRCh38, 1-based): chr9:136,508,312, C>T on the plus strand (G>A on the coding strand, the complement: NOTCH1 is on the minus strand). VCF-style: chr9-136508312-C-T. GRCh37 (hg19) VCF-style: chr9-139402764-C-T.
Other names: c.3245G>A, p.Arg1082His (LRG_1122t1); short protein forms R1082H.
Identifiers: ClinVar variation 660353 (VCV000660353.14), dbSNP rs758471372, ClinGen allele CA5341007.